The following is an entry in ClinVar:

ClinVar aggregate classification (germline): Uncertain significance. Review status: criteria provided, multiple submitters, no conflicts (2 of 4 stars). 2 submissions from 2 submitters: Uncertain significance (2). Last evaluated 2025-09-27.

Conditions:
Familial amyloid nephropathy with urticaria AND deafness (MWS). Also called: UDA SYNDROME; URTICARIA-DEAFNESS-AMYLOIDOSIS SYNDROME; MUCKLE-WELLS SYNDROME; Urticaria, deafness and amyloidosis; CRYOPYRIN-ASSOCIATED PERIODIC SYNDROME 2. Identifiers: Orphanet 575, MedGen C0268390, MONDO:0008633, OMIM 191900.
Chronic infantile neurological, cutaneous and articular syndrome (CINCA). Also called: CHRONIC NEUROLOGIC CUTANEOUS AND ARTICULAR SYNDROME; CINCA syndrome; Prieur Griscelli syndrome; CRYOPYRIN-ASSOCIATED PERIODIC SYNDROME 3. Identifiers: Orphanet 1451, MedGen C0409818, MONDO:0011776, OMIM 607115.
Hearing loss, autosomal dominant 34, with or without inflammation. Also called: DEAFNESS, AUTOSOMAL DOMINANT 34, WITH OR WITHOUT INFLAMMATION. Identifiers: MedGen C4521680, MONDO:0033261, OMIM 617772.
Familial cold autoinflammatory syndrome 1 (FCAS1). Also called: CRYOPYRIN-ASSOCIATED PERIODIC SYNDROME 1; Familial cold inflammatory syndrome 1. Identifiers: Orphanet 47045, MedGen C4551895, MONDO:0007349, OMIM 120100.
Keratitis fugax hereditaria. Also called: KERATOENDOTHELIITIS FUGAX HEREDITARIA. Identifiers: Orphanet 647815, MedGen C1835697, MONDO:0007849, OMIM 148200.
Cryopyrin associated periodic syndrome (CAPS). Identifiers: Orphanet 208650, MedGen C2316212, MONDO:0016168.

Submissions (2):

Labcorp Genetics (formerly Invitae), Labcorp
Classification: Uncertain significance for Cryopyrin associated periodic syndrome. Last evaluated: 2025-09-27. Review status: criteria provided, single submitter. Criteria: Invitae Variant Classification Sherloc (09022015). Collection method: clinical testing. Allele origin: germline.
Comment: This sequence change replaces phenylalanine, which is neutral and non-polar, with serine, which is neutral and polar, at codon 209 of the NLRP3 protein (p.Phe209Ser). This variant is not present in population databases (gnomAD no frequency). This variant has not been reported in the literature in individuals affected with NLRP3-related conditions. ClinVar contains an entry for this variant (Variation ID: 3583103). Invitae Evidence Modeling of protein sequence and biophysical properties (such as structural, functional, and spatial information, amino acid conservation, physicochemical variation, residue mobility, and thermodynamic stability) indicates that this missense variant is expected to disrupt NLRP3 protein function with a positive predictive value of 95%. In summary, the available evidence is currently insufficient to determine the role of this variant in disease. Therefore, it has been classified as a Variant of Uncertain Significance.

Fulgent Genetics
Classification: Uncertain significance for Familial cold autoinflammatory syndrome 1; Keratitis fugax hereditaria; Familial amyloid nephropathy with urticaria AND deafness; Chronic infantile neurological, cutaneous and articular syndrome; Hearing loss, autosomal dominant 34, with or without inflammation. Last evaluated: 2024-05-27. Review status: criteria provided, single submitter. Criteria: ACMG Guidelines, 2015. Collection method: clinical testing. Allele origin: germline.

NM_001243133.2(NLRP3):c.620T>C (p.Phe207Ser)

Gene: NLRP3 (NLR family pyrin domain containing 3; plus strand). Cytogenetic location: 1q44.
Variant type: single nucleotide variant.
Coding change: c.620T>C on transcript NM_001243133.2 (MANE Select); coding-DNA position 620, T replaced by C.
Protein change: p.Phe207Ser; replaces phenylalanine 207 with serine.
Molecular consequence: missense variant.
Genome position (GRCh38, 1-based): chr1:247,424,069, T>C. VCF-style: chr1-247424069-T-C. GRCh37 (hg19) VCF-style: chr1-247587371-T-C.
Other names: c.620T>C, p.Phe207Ser (NM_001079821.3, NM_001127461.3, NM_001127462.3 and 1 more transcripts); c.626T>C, p.Phe209Ser (NM_004895.5); short protein forms F209S, F207S.
Identifiers: ClinVar variation 3583103 (VCV003583103.2).